The following is an entry in ClinVar:

NM_005198.5(CHKB):c.704C>G (p.Pro235Arg)

Genes: CHKB-CPT1B (CHKB-CPT1B readthrough (NMD candidate); minus strand), CHKB (choline kinase beta; minus strand). Cytogenetic location: 22q13.33.
Variant type: single nucleotide variant.
Coding change: c.704C>G on transcript NM_005198.5 (MANE Select); coding-DNA position 704, C replaced by G.
Protein change: p.Pro235Arg; replaces proline 235 with arginine.
Molecular consequence: missense variant. On other transcripts: non-coding transcript variant (1).
Genome position (GRCh38, 1-based): chr22:50,580,390, G>C on the plus strand (C>G on the coding strand, the complement: CHKB is on the minus strand). VCF-style: chr22-50580390-G-C. GRCh37 (hg19) VCF-style: chr22-51018819-G-C.
Other names: short protein forms P235R.
Identifiers: ClinVar variation 2144934 (VCV002144934.4), dbSNP rs199847760, ClinGen allele CA325537469.
Genomic context (GRCh38, chr22:50,580,390, plus strand): 5'-GTTAGGAGACTCAGATGCCTTCTCCTACCTTCCTGGATGTCATTGTGGCAGAAGACGACT[G>C]GCGATGGGGTAGACTCTAGTAACTTCCTACAGGGGTATGGGAGCATGGGTCCTGAGCAGG-3'
Protein context (NP_005189.2, residues 225-245): LRKLLESTPS[Pro235Arg]VVFCHNDIQE

ClinVar aggregate classification (germline): Uncertain significance (1 of 4 stars; one submission).

Conditions:
Megaconial type congenital muscular dystrophy (MDCMC). Also called: MUSCULAR DYSTROPHY, CONGENITAL, WITH MITOCHONDRIAL STRUCTURAL ABNORMALITIES; CHKB-Related Muscle Diseases; CHKB-Related Muscular Dystrophy. Identifiers: Orphanet 280671, MedGen C1865233, MONDO:0011246, OMIM 602541.

Submission:

Labcorp Genetics (formerly Invitae), Labcorp
Classification: Uncertain significance for Megaconial type congenital muscular dystrophy. Last evaluated: 2022-03-08. Review status: criteria provided, single submitter. Criteria: Invitae Variant Classification Sherloc (09022015). Collection method: clinical testing. Allele origin: germline.
Comment: In summary, the available evidence is currently insufficient to determine the role of this variant in disease. Therefore, it has been classified as a Variant of Uncertain Significance. Algorithms developed to predict the effect of missense changes on protein structure and function are either unavailable or do not agree on the potential impact of this missense change (SIFT: "Tolerated"; PolyPhen-2: "Probably Damaging"; Align-GVGD: "Class C0"). This variant has not been reported in the literature in individuals affected with CHKB-related conditions. This variant is present in population databases (rs199847760, gnomAD 0.006%). This sequence change replaces proline, which is neutral and non-polar, with arginine, which is basic and polar, at codon 235 of the CHKB protein (p.Pro235Arg).